The following is an entry in ClinVar:

NM_004667.6(HERC2):c.9858C>T (p.His3286=)

Gene: HERC2 (HECT and RLD domain containing E3 ubiquitin protein ligase 2; minus strand). Cytogenetic location: 15q13.1.
Variant type: single nucleotide variant.
Coding change: c.9858C>T on transcript NM_004667.6 (MANE Select); coding-DNA position 9858, C replaced by T.
Protein change: p.His3286=; no amino-acid change (histidine 3286 retained).
Molecular consequence: synonymous variant.
Genome position (GRCh38, 1-based): chr15:28,174,594, G>A on the plus strand (C>T on the coding strand, the complement: HERC2 is on the minus strand). VCF-style: chr15-28174594-G-A. GRCh37 (hg19) VCF-style: chr15-28419740-G-A.
Other names: c.9858C>T (NM_004667.5).
Identifiers: ClinVar variation 2645053 (VCV002645053.25), dbSNP rs113427095, ClinGen allele CA7441026.

ClinVar aggregate classification (germline): Likely benign. Review status: criteria provided, multiple submitters, no conflicts (2 of 4 stars). 3 submissions from 3 submitters: Likely benign (2). 1 of the submissions does not count toward it. Last evaluated 2024-11-25.

Conditions:
HERC2-related disorder. Also called: HERC2-related condition.

Allele frequency attached by ClinVar (database versions not stated): ExAC 0.00228; gnomAD 0.00230; ESP Exome Variant Server 0.00617; 1000 Genomes Project 30x 0.00750.

Submissions (3):

Blueprint Genetics
Classification: Likely benign. Last evaluated: 2024-11-25. Review status: criteria provided, single submitter. Criteria: ACMG Guidelines, 2015. Collection method: clinical testing. Allele origin: germline.

CeGaT Center for Human Genetics Tuebingen
Classification: Likely benign. Last evaluated: 2024-08-01. Review status: criteria provided, single submitter. Criteria: CeGaT Center For Human Genetics Tuebingen Variant Classification Criteria Version 2. Collection method: clinical testing. Allele origin: germline. Affected: yes. Observed: 2 variant alleles.
Comment: HERC2: BP4, BP7

PreventionGenetics, part of Exact Sciences
Classification: Benign for HERC2-related condition. Last evaluated: 2024-08-15. Review status: no assertion criteria provided. Collection method: clinical testing. Allele origin: germline. Not counted in ClinVar's aggregate classification.
Comment: This variant is classified as benign based on ACMG/AMP sequence variant interpretation guidelines (Richards et al. 2015 PMID: 25741868, with internal and published modifications).